The following is an entry in ClinVar:

NM_016103.4(SAR1B):c.502C>A (p.Leu168Met)

Gene: SAR1B (secretion associated Ras related GTPase 1B; minus strand). Cytogenetic location: 5q31.1.
Variant type: single nucleotide variant.
Coding change: c.502C>A on transcript NM_016103.4 (MANE Select); coding-DNA position 502, C replaced by A.
Protein change: p.Leu168Met; replaces leucine 168 with methionine.
Molecular consequence: missense variant.
Genome position (GRCh38, 1-based): chr5:134,607,045, G>T on the plus strand (C>A on the coding strand, the complement: SAR1B is on the minus strand). VCF-style: chr5-134607045-G-T. GRCh37 (hg19) VCF-style: chr5-133942735-G-T.
Other names: c.502C>A, p.Leu168Met (NM_001033503.3); short protein forms L168M.
Identifiers: ClinVar variation 1492286 (VCV001492286.6), dbSNP rs1175873618, ClinGen allele CA360999679.
Genomic context (GRCh38, chr5:134,607,045, plus strand): 5'-CTCCGTAACCTTGTCTTTTGAGCACACTACACATGAAAACTTCTAAGGGTCGGGCATTCA[G>T]TTCTTTCAGAGATATACTCCCCTAGAATAGAAGAGAGACATTTCGTTGGAATTTTATAAA-3'
Protein context (NP_057187.1, residues 158-178): TGKGSISLKE[Leu168Met]NARPLEVFMC

ClinVar aggregate classification (germline): Uncertain significance (1 of 4 stars; one submission).

Allele frequency attached by ClinVar (database versions not stated): gnomAD exomes below 0.00001.
gnomAD v4.1: 3 of 1,613,192 alleles (0.00019%); highest among the groups gnomAD compares: Non-Finnish European, 0.00025%; no homozygotes.

Submission:

Labcorp Genetics (formerly Invitae), Labcorp
Classification: Uncertain significance. Last evaluated: 2024-01-19. Review status: criteria provided, single submitter. Criteria: Invitae Variant Classification Sherloc (09022015). Collection method: clinical testing. Allele origin: germline.
Comment: This sequence change replaces leucine, which is neutral and non-polar, with methionine, which is neutral and non-polar, at codon 168 of the SAR1B protein (p.Leu168Met). This variant is present in population databases (no rsID available, gnomAD 0.0009%). This variant has not been reported in the literature in individuals affected with SAR1B-related conditions. ClinVar contains an entry for this variant (Variation ID: 1492286). An algorithm developed to predict the effect of missense changes on protein structure and function (PolyPhen-2) suggests that this variant is likely to be tolerated. In summary, the available evidence is currently insufficient to determine the role of this variant in disease. Therefore, it has been classified as a Variant of Uncertain Significance.